The following is an entry in ClinVar:

NM_001034853.2(RPGR):c.1880C>G (p.Ser627Ter)

Gene: RPGR (retinitis pigmentosa GTPase regulator; minus strand). Cytogenetic location: Xp11.4.
Variant type: single nucleotide variant.
Coding change: c.1880C>G on transcript NM_001034853.2 (MANE Select); coding-DNA position 1880, C replaced by G.
Protein change: p.Ser627Ter; replaces serine 627 with a stop codon.
Molecular consequence: nonsense. On other transcripts: non-coding transcript variant (2), intron variant (5).
Genome position (GRCh38, 1-based): chrX:38,287,119, G>C on the plus strand (C>G on the coding strand, the complement: RPGR is on the minus strand). VCF-style: chrX-38287119-G-C. GRCh37 (hg19) VCF-style: chrX-38146372-G-C.
Other names: c.1880C>G, p.Ser627Ter (NM_000328.3); c.1877C>G, p.Ser626Ter (NM_001367245.1); c.1694C>G, p.Ser565Ter (NM_001367246.1); c.1569+3840C>G (NM_001367249.1, NM_001367250.1); c.1386+3840C>G (NM_001367251.1); c.1572+3840C>G (NM_001367247.1); c.1602+3840C>G (NM_001367248.1); short protein forms S565*, S627*, S626*.
Identifiers: ClinVar variation 1781884 (VCV001781884.4), dbSNP rs2147200625, ClinGen allele CA412732439.
Genomic context (GRCh38, chrX:38,287,119, plus strand): 5'-GCTTCTCCCACTGATTTTGCCTTGCCTTCACTCACCTCTGCTTTGTCTGTAAGGTCATCT[G>C]ATAGGATCTCTGTTTTCTCCTTTCTTCCTCCATGCACCTTCACATTTTCCTCATTTGCTT-3'

ClinVar aggregate classification (germline): Pathogenic. Review status: criteria provided, multiple submitters, no conflicts (2 of 4 stars). 2 submissions from 2 submitters: Pathogenic (2). Last evaluated 2024-01-20.

Conditions:
Primary ciliary dyskinesia. Also called: Ciliary dyskinesia. Identifiers: Orphanet 244, MedGen C0008780, MONDO:0016575, HP:0012265.

Submissions (2):

Labcorp Genetics (formerly Invitae), Labcorp
Classification: Pathogenic for Primary ciliary dyskinesia. Last evaluated: 2024-01-20. Review status: criteria provided, single submitter. Criteria: Invitae Variant Classification Sherloc (09022015). Collection method: clinical testing. Allele origin: germline.
Comment: This sequence change creates a premature translational stop signal (p.Ser627*) in the RPGR gene. It is expected to result in an absent or disrupted protein product. Loss-of-function variants in RPGR are known to be pathogenic (PMID: 16055928, 16969763). This variant is not present in population databases (gnomAD no frequency). This variant has not been reported in the literature in individuals affected with RPGR-related conditions. ClinVar contains an entry for this variant (Variation ID: 1781884). For these reasons, this variant has been classified as Pathogenic.

Ambry Genetics
Classification: Pathogenic for Primary ciliary dyskinesia. Last evaluated: 2017-05-04. Review status: criteria provided, single submitter. Criteria: Ambry Variant Classification Scheme 2023. Collection method: clinical testing. Allele origin: germline.
Comment: The p.S627* pathogenic mutation (also known as c.1880C>G), located in coding exon 15 of the RPGR gene, results from a C to G substitution at nucleotide position 1880. This changes the amino acid from a serine to a stop codon within coding exon 15. This alteration is expected to result in loss of function by premature protein truncation or nonsense-mediated mRNA decay. As such, this alteration is interpreted as a disease-causing mutation.

Literature cited by the submitters: PubMed 16055928 (cited by Labcorp Genetics (formerly Invitae), Labcorp); PubMed 16969763 (cited by Labcorp Genetics (formerly Invitae), Labcorp).